The following is an entry in ClinVar:

NM_001142800.2(EYS):c.1426C>T (p.Gln476Ter)

Gene: EYS (EGF-like photoreceptor maintenance factor; minus strand). Cytogenetic location: 6q12.
Variant type: single nucleotide variant.
Coding change: c.1426C>T on transcript NM_001142800.2 (MANE Select); coding-DNA position 1426, C replaced by T.
Protein change: p.Gln476Ter; replaces glutamine 476 with a stop codon.
Molecular consequence: nonsense.
Genome position (GRCh38, 1-based): chr6:65,353,491, G>A on the plus strand (C>T on the coding strand, the complement: EYS is on the minus strand). VCF-style: chr6-65353491-G-A. GRCh37 (hg19) VCF-style: chr6-66063384-G-A.
Other names: c.1426C>T, p.Gln476Ter (NM_001142801.2, NM_001292009.2, NM_198283.2); short protein forms Q476*.
Identifiers: ClinVar variation 656918 (VCV000656918.7), dbSNP rs1345460401, ClinGen allele CA364661677.

ClinVar aggregate classification (germline): Pathogenic/Likely pathogenic. Review status: criteria provided, multiple submitters, no conflicts (2 of 4 stars). 2 submissions from 2 submitters: Pathogenic (1); Likely pathogenic (1). Last evaluated 2024-04-23.

Conditions:
Retinitis pigmentosa 25 (RP25). Identifiers: Orphanet 791, MedGen C1864446, MONDO:0011272, OMIM 602772.

Submissions (2):

Fulgent Genetics
Classification: Likely pathogenic for Retinitis pigmentosa 25. Last evaluated: 2024-04-23. Review status: criteria provided, single submitter. Criteria: ACMG Guidelines, 2015. Collection method: clinical testing. Allele origin: germline.

Labcorp Genetics (formerly Invitae), Labcorp
Classification: Pathogenic. Last evaluated: 2018-10-09. Review status: criteria provided, single submitter. Criteria: Invitae Variant Classification Sherloc (09022015). Collection method: clinical testing. Allele origin: germline.
Comment: This sequence change creates a premature translational stop signal (p.Gln476*) in the EYS gene. It is expected to result in an absent or disrupted protein product. This variant is not present in population databases (ExAC no frequency). This variant has not been reported in the literature in individuals with EYS-related disease. Loss-of-function variants in EYS are known to be pathogenic (PMID: 18836446, 20333770). For these reasons, this variant has been classified as Pathogenic.

Literature cited by the submitters: PubMed 18836446 (cited by Labcorp Genetics (formerly Invitae), Labcorp); PubMed 20333770 (cited by Labcorp Genetics (formerly Invitae), Labcorp).